The following is an entry in ClinVar:

ClinVar aggregate classification (germline): Uncertain significance (1 of 4 stars; one submission).

Submission:

Labcorp Genetics (formerly Invitae), Labcorp
Classification: Uncertain significance. Last evaluated: 2022-02-13. Review status: criteria provided, single submitter. Criteria: Invitae Variant Classification Sherloc (09022015). Collection method: clinical testing. Allele origin: germline.
Comment: This sequence change replaces glutamic acid, which is acidic and polar, with lysine, which is basic and polar, at codon 14 of the FAM46A protein (p.Glu14Lys). This variant is not present in population databases (gnomAD no frequency). Algorithms developed to predict the effect of missense changes on protein structure and function are either unavailable or do not agree on the potential impact of this missense change (SIFT: "Tolerated"; PolyPhen-2: "Not Available"; Align-GVGD: "Class C0"). In summary, the available evidence is currently insufficient to determine the role of this variant in disease. Therefore, it has been classified as a Variant of Uncertain Significance. This variant has not been reported in the literature in individuals affected with FAM46A-related conditions.

NM_017633.3(TENT5A):c.40G>A (p.Glu14Lys)

Gene: TENT5A (terminal nucleotidyltransferase 5A; minus strand). Cytogenetic location: 6q14.1.
Variant type: single nucleotide variant.
Coding change: c.40G>A on transcript NM_017633.3 (MANE Select); coding-DNA position 40, G replaced by A.
Protein change: p.Glu14Lys; replaces glutamic acid 14 with lysine.
Molecular consequence: missense variant.
Genome position (GRCh38, 1-based): chr6:81,752,102, C>T on the plus strand (G>A on the coding strand, the complement: TENT5A is on the minus strand). VCF-style: chr6-81752102-C-T. GRCh37 (hg19) VCF-style: chr6-82461819-C-T.
Other names: short protein forms E14K.
Identifiers: ClinVar variation 2097516 (VCV002097516.4), dbSNP rs760766537, ClinGen allele CA365034777.